The following is an entry in ClinVar:

ClinVar aggregate classification (germline): Uncertain significance (1 of 4 stars; one submission).

Submission:

GeneDx
Classification: Uncertain significance. Last evaluated: 2026-04-16. Review status: criteria provided, single submitter. Criteria: GeneDx Variant Classification Process June 2021. Collection method: clinical testing. Allele origin: germline.
Comment: Not observed at significant frequency in large population cohorts (gnomAD); In silico analysis supports a deleterious effect on splicing; Has not been previously published as pathogenic or benign to our knowledge

NM_004092.4(ECHS1):c.740-5T>G

Gene: ECHS1 (enoyl-CoA hydratase, short chain 1; minus strand). Cytogenetic location: 10q26.3.
Variant type: single nucleotide variant.
Coding change: c.740-5T>G on transcript NM_004092.4 (MANE Select); 5 bases into the intron before coding-DNA position 740, T replaced by G.
Molecular consequence: intron variant.
Genome position (GRCh38, 1-based): chr10:133,364,730, A>C on the plus strand (T>G on the coding strand, the complement: ECHS1 is on the minus strand). VCF-style: chr10-133364730-A-C. GRCh37 (hg19) VCF-style: chr10-135178234-A-C.
Identifiers: ClinVar variation 5037025 (VCV005037025.1).